The following is an entry in ClinVar:

ClinVar aggregate classification (germline): Uncertain significance (1 of 4 stars; one submission).

Conditions:
Brugada syndrome 4 (BRGDA4). Identifiers: Orphanet 130, MedGen C2678477, MONDO:0012743, OMIM 611876.

Submission:

Labcorp Genetics (formerly Invitae), Labcorp
Classification: Uncertain significance for Brugada syndrome 4. Last evaluated: 2022-06-10. Review status: criteria provided, single submitter. Criteria: Invitae Variant Classification Sherloc (09022015). Collection method: clinical testing. Allele origin: germline.
Comment: In summary, the available evidence is currently insufficient to determine the role of this variant in disease. Therefore, it has been classified as a Variant of Uncertain Significance. Experimental studies and prediction algorithms are not available or were not evaluated, and the functional significance of this variant is currently unknown. This variant has not been reported in the literature in individuals affected with CACNB2-related conditions. This variant is not present in population databases (gnomAD no frequency). This variant, c.1765_1767dup, results in the insertion of 1 amino acid(s) of the CACNB2 protein (p.Ser589dup), but otherwise preserves the integrity of the reading frame.

NM_201596.3(CACNB2):c.1927_1929dup (p.Ser643_Lys644insSer)

Gene: CACNB2 (calcium voltage-gated channel auxiliary subunit beta 2; plus strand). Cytogenetic location: 10p12.31.
Variant type: Duplication.
Coding change: c.1927_1929dup on transcript NM_201596.3 (MANE Select); coding-DNA positions 1927 to 1929, 3 bases duplicated (TCA; older notation c.1927_1929dupTCA).
Protein change: p.Ser643_Lys644insSer.
Molecular consequence: inframe insertion. On other transcripts: inframe indel (1).
Genome position (GRCh38, 1-based): chr10:18,539,668-18,539,670, TCA duplicated; duplicating any 3 consecutive bases within chr10:18,539,667-18,539,670 gives the same sequence; the c. name uses the placement nearest the transcript's 3' end. VCF-style (leftmost placement, unchanged base first): chr10-18539666-T-TATC. GRCh37 (hg19) VCF-style: chr10-18828595-T-TATC.
Other names: c.1762_1764dup, p.Ser588_Lys589insSer (NM_000724.4); c.1729_1731dup, p.Ser577_Lys578insSer (NM_001167945.2); c.1648_1650dup, p.Ser550_Lys551insSer (NM_001330060.2); c.1669_1671dup, p.Ser557_Lys558insSer (NM_001410882.1); c.1783_1785dup, p.Ser595_Lys596insSer (NM_201570.3); c.1843_1845dup, p.Ser615_Lys616insSer (NM_201571.4); c.1771_1773dup, p.Ser591_Lys592insSer (NM_201572.4); c.1765_1767dup, p.Ser589_Lys590insSer (NM_201590.3); and 2 more.
Identifiers: ClinVar variation 2139101 (VCV002139101.4), dbSNP rs2494923365, ClinGen allele CA2580081384.